The following is an entry in ClinVar:

NM_032043.3(BRIP1):c.2947dup (p.Ile983fs)

Gene: BRIP1 (BRCA1 interacting DNA helicase 1; minus strand). Cytogenetic location: 17q23.2.
Variant type: Duplication.
Coding change: c.2947dup on transcript NM_032043.3 (MANE Select); coding-DNA position 2947, one base duplicated (A; older notation c.2947dupA).
Protein change: p.Ile983fs; shifts the reading frame from isoleucine 983.
Molecular consequence: frameshift variant.
Genome position (GRCh38, 1-based): chr17:61,684,099, T duplicated on the plus strand (A on the coding strand, the reverse complement: BRIP1 is on the minus strand); the first of 6 consecutive T bases (chr17:61,684,099-61,684,104); duplicating any one gives the same sequence. VCF-style (leftmost placement, unchanged base first): chr17-61684098-A-AT. GRCh37 (hg19) VCF-style: chr17-59761459-A-AT.
Other names: c.2947dupA (NM_032043.2); short protein forms I983fs.
Identifiers: ClinVar variation 407863 (VCV000407863.21), dbSNP rs774684620, ClinGen allele CA8690419.
Genomic context (GRCh38, chr17:61,684,098, plus strand): 5'-GACCAGCTAACTCTCTTTGTTTGTTTGTTGAAAGTTGGGCTTGTGGATCTGGAAATCACA[A>AT]TTTTTTCTGCTTTCCCTGCTTCTTCCAGGAATACTGGATCATCTAAGAATACAAGAATTT-3'

ClinVar aggregate classification (germline): Conflicting classifications of pathogenicity. Review status: criteria provided, conflicting classifications (1 of 4 stars). 6 submissions from 6 submitters: Pathogenic (1); Likely pathogenic (2); Uncertain significance (3). Last evaluated 2026-03-09.

Conditions:
Familial ovarian cancer. Identifiers: MedGen C5679802, MONDO:0016248.
Hereditary cancer-predisposing syndrome. Also called: Neoplastic Syndromes, Hereditary; Tumor predisposition; Hereditary Cancer Syndrome; Hereditary neoplastic syndrome. Identifiers: Orphanet 140162, MedGen C0027672, MeSH D009386, MONDO:0015356.
Familial cancer of breast. Also called: BREAST CANCER, FAMILIAL; hereditary breast carcinoma; Hereditary breast cancer. Identifiers: Orphanet 227535, MedGen C0346153, MONDO:0016419, OMIM 114480. Disease mechanism: loss of function.
Fanconi anemia complementation group J. Also called: BRIP1-Related Fanconi Anemia. Identifiers: Orphanet 84, MedGen C1836860, MONDO:0012187, OMIM 609054.

Submissions (6):

Hema, HEMA – Genetic and Molecular Diagnostic Laboratory
Classification: Uncertain significance for Familial ovarian cancer. Last evaluated: 2026-03-09. Review status: criteria provided, single submitter. Criteria: HEMA Variant Classification Assertion Criteria. Collection method: clinical testing. Allele origin: germline.
Comment: It is a duplication of an adenine nucleotide that results in a frameshift in BRIP1. PVS1_Strong: It is a frameshift variant. Although it escapes nonsense-mediated decay of the transcript, it produces a protein in which the last 267 amino acids are replaced by 18 incorrect amino acids. The affected region partially includes the BRCA1-binding domain (amino acids 888-1063), a functionally important region (PMID: 11301010, 18628483, 15125843, 41596682). PM2_Supporting: Present at very low frequency in the gnomAD v4.1.0 database.

Labcorp Genetics (formerly Invitae), Labcorp
Classification: Uncertain significance for Familial cancer of breast; Fanconi anemia complementation group J. Last evaluated: 2025-10-26. Review status: criteria provided, single submitter. Criteria: Invitae Variant Classification Sherloc (09022015). Collection method: clinical testing. Allele origin: germline.
Comment: This sequence change creates a premature translational stop signal (p.Ile983Asnfs*19) in the BRIP1 gene. While this is not anticipated to result in nonsense mediated decay, it is expected to disrupt the last 267 amino acid(s) of the BRIP1 protein. This variant is present in population databases (rs774684620, gnomAD 0.007%). This premature translational stop signal has been observed in individual(s) with breast and/or prostate cancer (PMID: 30093976, 33151324, 37436117). ClinVar contains an entry for this variant (Variation ID: 407863). In summary, the available evidence is currently insufficient to determine the role of this variant in disease. Therefore, it has been classified as a Variant of Uncertain Significance.

Color Diagnostics, LLC DBA Color Health
Classification: Likely pathogenic for Hereditary cancer-predisposing syndrome. Last evaluated: 2024-06-10. Review status: criteria provided, single submitter. Criteria: ACMG Guidelines, 2015. Collection method: clinical testing. Allele origin: germline.
Comment: This variant inserts 1 nucleotide in exon 20 of the BRIP1 gene, creating a frameshift and premature translation stop signal in the last exon. This variant is expected to escape nonsense-mediated decay and be expressed as a truncated protein that lacks the functional domains involved in BRCA1-binding, DNA damage and replication stress responses and attenuation of DNA damage tolerance pathway (PMID: 11301010, 14983014, 20159562, 20173781, 22792074). Although functional studies have not been reported for this variant, this variant is expected to impair important BRIP1 protein function. This variant has been reported in an individual affected with breast cancer (PMID: 30093976). This variant has been identified in 2/250646 chromosomes in the general population by the Genome Aggregation Database (gnomAD). Loss of BRIP1 function is a known mechanism of disease. Based on the available evidence, this variant is classified as Likely Pathogenic.

Ambry Genetics
Classification: Uncertain significance for Hereditary cancer-predisposing syndrome. Last evaluated: 2023-12-06. Review status: criteria provided, single submitter. Criteria: Ambry Variant Classification Scheme 2023. Collection method: clinical testing. Allele origin: germline.
Comment: The c.2947dupA variant, located in coding exon 19 of the BRIP1 gene, results from a duplication of A at nucleotide position 2947, causing a translational frameshift with a predicted alternate stop codon (p.I983Nfs*19). This alteration has been observed in individual(s) with a personal and/or family history of breast cancer (Chan GHJ et al. Oncotarget, 2018 Jul;9:30649-30660; Fostira F et al. J Med Genet, 2020 Jan;57:53-61; Akcay IM et al. Int J Cancer, 2021 Jan;148:285-295). This alteration occurs at the 3' terminus of theBRIP1 gene, is not expected to trigger nonsense-mediated mRNAdecay, and only impacts the last 21% of the protein. The exact functional effect of this alteration is unknown. Since supporting evidence is limited at this time, the clinical significance of this alteration remains unclear.

Myriad Genetics, Inc.
Classification: Pathogenic for Familial cancer of breast. Last evaluated: 2023-06-07. Review status: criteria provided, single submitter. Criteria: Myriad Autosomal Dominant, Autosomal Recessive and X-Linked Classification Criteria (2023). Collection method: clinical testing. Allele origin: unknown.
Comment: This variant is considered pathogenic. This variant creates a frameshift predicted to result in premature protein truncation.

Genesis Genomics
Classification: Likely pathogenic for Familial cancer of breast. Review status: criteria provided, single submitter. Criteria: ACMG Guidelines, 2015. Collection method: clinical testing. Allele origin: germline. Affected: yes. Observed: 1 variant allele.

Literature cited by the submitters: PubMed 11301010 (cited by Hema, HEMA – Genetic and Molecular Diagnostic Laboratory and Color Diagnostics, LLC DBA Color Health); PubMed 18628483 (cited by Hema, HEMA – Genetic and Molecular Diagnostic Laboratory); PubMed 15125843 (cited by Hema, HEMA – Genetic and Molecular Diagnostic Laboratory); PubMed 41596682 (cited by Hema, HEMA – Genetic and Molecular Diagnostic Laboratory); PubMed 30093976 (cited by 3 submitters); PubMed 33151324 (cited by Labcorp Genetics (formerly Invitae), Labcorp); PubMed 37436117 (cited by Labcorp Genetics (formerly Invitae), Labcorp); PubMed 14983014 (cited by Color Diagnostics, LLC DBA Color Health); PubMed 20159562 (cited by Color Diagnostics, LLC DBA Color Health); PubMed 20173781 (cited by Color Diagnostics, LLC DBA Color Health); PubMed 22792074 (cited by Color Diagnostics, LLC DBA Color Health); PubMed 31300551 (cited by Ambry Genetics); PubMed 32658311 (cited by Ambry Genetics).